The following is an entry in ClinVar:

NM_001206927.2(DNAH8):c.14066T>C (p.Val4689Ala)

Gene: DNAH8 (dynein axonemal heavy chain 8; plus strand). Cytogenetic location: 6p21.2.
Variant type: single nucleotide variant.
Coding change: c.14066T>C on transcript NM_001206927.2 (MANE Select); coding-DNA position 14066, T replaced by C.
Protein change: p.Val4689Ala; replaces valine 4689 with alanine.
Molecular consequence: missense variant.
Genome position (GRCh38, 1-based): chr6:39,030,334, T>C. VCF-style: chr6-39030334-T-C. GRCh37 (hg19) VCF-style: chr6-38998110-T-C.
Other names: c.13415T>C, p.Val4472Ala (NM_001371.4); short protein forms V4472A, V4689A.
Identifiers: ClinVar variation 4779833 (VCV004779833.1).
Genomic context (GRCh38, chr6:39,030,334, plus strand): 5'-TTTACAAGAAACCCAGGCGAACTGATTTGACCTTCATCACTGTGGTATATTTACGAACAG[T>C]GTTGTCCCCGGATCACTGGATCCTGAGAGGAGTGGCCCTTTTGTGTGACATCAAGTAAGT-3'
Protein context (NP_001193856.1, residues 4679-4699): TFITVVYLRT[Val4689Ala]LSPDHWILRG

ClinVar aggregate classification (germline): Uncertain significance (1 of 4 stars; one submission).

Conditions:
Primary ciliary dyskinesia. Also called: Ciliary dyskinesia. Identifiers: Orphanet 244, MedGen C0008780, MONDO:0016575, HP:0012265.

gnomAD v4.1: 1 of 1,614,182 alleles (0.000062%); highest among the groups gnomAD compares: South Asian, 0.0011%; no homozygotes.

Submission:

Labcorp Genetics (formerly Invitae), Labcorp
Classification: Uncertain significance for Primary ciliary dyskinesia. Last evaluated: 2026-01-14. Review status: criteria provided, single submitter. Criteria: Invitae Variant Classification Sherloc (09022015). Collection method: clinical testing. Allele origin: germline.
Comment: This sequence change replaces valine, which is neutral and non-polar, with alanine, which is neutral and non-polar, at codon 4689 of the DNAH8 protein (p.Val4689Ala). This variant is not present in population databases (gnomAD no frequency). This variant has not been reported in the literature in individuals affected with DNAH8-related conditions. Experimental studies and prediction algorithms are not available or were not evaluated, and the functional significance of this variant is currently unknown. In summary, the available evidence is currently insufficient to determine the role of this variant in disease. Therefore, it has been classified as a Variant of Uncertain Significance.